The following is an entry in ClinVar:

NM_014920.5(CILK1):c.1848G>C (p.Gln616His)

Gene: CILK1 (ciliogenesis associated kinase 1; minus strand). Cytogenetic location: 6p12.1.
Variant type: single nucleotide variant.
Coding change: c.1848G>C on transcript NM_014920.5 (MANE Select); coding-DNA position 1848, G replaced by C.
Protein change: p.Gln616His; replaces glutamine 616 with histidine.
Molecular consequence: missense variant. On other transcripts: non-coding transcript variant (1).
Genome position (GRCh38, 1-based): chr6:53,005,200, C>G on the plus strand (G>C on the coding strand, the complement: CILK1 is on the minus strand). VCF-style: chr6-53005200-C-G. GRCh37 (hg19) VCF-style: chr6-52869998-C-G.
Other names: c.1869G>C, p.Gln623His (NM_001375397.1); c.1848G>C, p.Gln616His (NM_001375398.1, NM_001375399.1, NM_001375400.1 and 3 more transcripts); short protein forms Q616H, Q623H.
Identifiers: ClinVar variation 1680530 (VCV001680530.8), dbSNP rs901474208, ClinGen allele CA139030360.

ClinVar aggregate classification (germline): Uncertain significance (1 of 4 stars; one submission).

Allele frequency attached by ClinVar (database versions not stated): TOPMed 0.00001.

Submission:

Labcorp Genetics (formerly Invitae), Labcorp
Classification: Uncertain significance. Last evaluated: 2021-05-08. Review status: criteria provided, single submitter. Criteria: Invitae Variant Classification Sherloc (09022015). Collection method: clinical testing. Allele origin: germline.
Comment: This sequence change replaces glutamine with histidine at codon 616 of the ICK protein (p.Gln616His). The glutamine residue is highly conserved and there is a small physicochemical difference between glutamine and histidine. This variant is not present in population databases (ExAC no frequency). This variant has not been reported in the literature in individuals with ICK-related conditions. Algorithms developed to predict the effect of missense changes on protein structure and function (SIFT, PolyPhen-2, Align-GVGD) all suggest that this variant is likely to be tolerated, but these predictions have not been confirmed by published functional studies and their clinical significance is uncertain. In summary, the available evidence is currently insufficient to determine the role of this variant in disease. Therefore, it has been classified as a Variant of Uncertain Significance.